The following is an entry in ClinVar:

NM_001367943.1(TCF7L2):c.1774C>T (p.Pro592Ser)

Gene: TCF7L2 (transcription factor 7 like 2; plus strand). Cytogenetic location: 10q25.3.
Variant type: single nucleotide variant.
Coding change: c.1774C>T on transcript NM_001367943.1 (MANE Select); coding-DNA position 1774, C replaced by T.
Protein change: p.Pro592Ser; replaces proline 592 with serine.
Molecular consequence: missense variant. On other transcripts: 3 prime UTR variant (12).
Genome position (GRCh38, 1-based): chr10:113,165,886, C>T. VCF-style: chr10-113165886-C-T. GRCh37 (hg19) VCF-style: chr10-114925645-C-T.
Other names: c.1723C>T, p.Pro575Ser (NM_001146274.2); c.*252C>T (NM_001146283.2, NM_001146284.2, NM_001146286.2 and 4 more transcripts); c.1654C>T, p.Pro552Ser (NM_001146285.2, NM_001198526.2); c.*362C>T (NM_001198525.2); c.*350C>T (NM_001198527.2, NM_001198528.2, NM_001349870.2 and 1 more transcripts); c.1705C>T, p.Pro569Ser (NM_030756.5); short protein forms P552S, P569S, P575S, P592S.
Identifiers: ClinVar variation 2501975 (VCV002501975.1), dbSNP rs2137656156, ClinGen allele CA378402709.

ClinVar aggregate classification (germline): Uncertain significance (1 of 4 stars; one submission).

Allele frequency attached by ClinVar (database versions not stated): gnomAD exomes below 0.00001.
gnomAD v4.1: 1 of 1,603,280 alleles (0.000062%); highest among the groups gnomAD compares: Non-Finnish European, 0.000085%; no homozygotes.

Submission:

GeneDx
Classification: Uncertain significance. Last evaluated: 2022-02-09. Review status: criteria provided, single submitter. Criteria: GeneDx Variant Classification Process June 2021. Collection method: clinical testing. Allele origin: germline. Affected: yes.
Comment: Has not been previously published as pathogenic or benign to our knowledge; In silico analysis supports that this missense variant does not alter protein structure/function; Not observed at significant frequency in large population cohorts (gnomAD); Variants in candidate genes are classified as variants of uncertain significance in accordance with ACMG guidelines (Richards et al., 2015)